The following is an entry in ClinVar:

ClinVar aggregate classification (germline): Uncertain significance (1 of 4 stars; one submission).

Conditions:
Charcot-Marie-Tooth disease axonal type 2Z. Also called: CHARCOT-MARIE-TOOTH DISEASE, AXONAL, AUTOSOMAL DOMINANT, TYPE 2Z; CHARCOT-MARIE-TOOTH NEUROPATHY, TYPE 2Z. Identifiers: Orphanet 466768, MedGen C5569025, MONDO:0014736, OMIM 616688.

Allele frequency attached by ClinVar (database versions not stated): ExAC 0.00001; gnomAD 0.00001; gnomAD exomes 0.00001; TOPMed 0.00001.
gnomAD v4.1: 16 of 1,613,900 alleles (0.00099%); highest among the groups gnomAD compares: African/African-American, 0.0027%; no homozygotes.

Submission:

Labcorp Genetics (formerly Invitae), Labcorp
Classification: Uncertain significance for Charcot-Marie-Tooth disease axonal type 2Z. Last evaluated: 2023-08-17. Review status: criteria provided, single submitter. Criteria: Invitae Variant Classification Sherloc (09022015). Collection method: clinical testing. Allele origin: germline.
Comment: This variant is present in population databases (rs762809030, gnomAD 0.008%). This variant has not been reported in the literature in individuals affected with MORC2-related conditions. ClinVar contains an entry for this variant (Variation ID: 573169). Algorithms developed to predict the effect of missense changes on protein structure and function output the following: SIFT: "Not Available"; PolyPhen-2: "Benign"; Align-GVGD: "Not Available". The asparagine amino acid residue is found in multiple mammalian species, which suggests that this missense change does not adversely affect protein function. In summary, the available evidence is currently insufficient to determine the role of this variant in disease. Therefore, it has been classified as a Variant of Uncertain Significance. This sequence change replaces serine, which is neutral and polar, with asparagine, which is neutral and polar, at codon 76 of the MORC2 protein (p.Ser76Asn).

NM_001303256.3(MORC2):c.227G>A (p.Ser76Asn)

Gene: MORC2 (MORC family CW-type zinc finger 2; minus strand). Cytogenetic location: 22q12.2.
Variant type: single nucleotide variant.
Coding change: c.227G>A on transcript NM_001303256.3 (MANE Select); coding-DNA position 227, G replaced by A.
Protein change: p.Ser76Asn; replaces serine 76 with asparagine.
Molecular consequence: missense variant.
Genome position (GRCh38, 1-based): chr22:30,949,842, C>T on the plus strand (G>A on the coding strand, the complement: MORC2 is on the minus strand). VCF-style: chr22-30949842-C-T. GRCh37 (hg19) VCF-style: chr22-31345828-C-T.
Other names: c.227G>A, p.Ser76Asn (NM_001303257.2); c.41G>A, p.Ser14Asn (NM_014941.3); short protein forms S76N, S14N.
Identifiers: ClinVar variation 573169 (VCV000573169.9), dbSNP rs762809030, ClinGen allele CA10187305.